The following is an entry in ClinVar:

ClinVar aggregate classification (germline): Uncertain significance (1 of 4 stars; one submission).

Conditions:
EGFR-related lung cancer (EGFR). Identifiers: MedGen CN130014.

Submission:

Labcorp Genetics (formerly Invitae), Labcorp
Classification: Uncertain significance for EGFR-related lung cancer. Last evaluated: 2024-01-26. Review status: criteria provided, single submitter. Criteria: Invitae Variant Classification Sherloc (09022015). Collection method: clinical testing. Allele origin: germline.
Comment: This sequence change replaces glycine, which is neutral and non-polar, with serine, which is neutral and polar, at codon 532 of the EGFR protein (p.Gly532Ser). This variant is not present in population databases (gnomAD no frequency). This variant has not been reported in the literature in individuals affected with EGFR-related conditions. Advanced modeling of protein sequence and biophysical properties (such as structural, functional, and spatial information, amino acid conservation, physicochemical variation, residue mobility, and thermodynamic stability) performed at Invitae indicates that this missense variant is not expected to disrupt EGFR protein function with a negative predictive value of 80%. In summary, the available evidence is currently insufficient to determine the role of this variant in disease. Therefore, it has been classified as a Variant of Uncertain Significance.

NM_005228.5(EGFR):c.1594G>A (p.Gly532Ser)

Gene: EGFR (epidermal growth factor receptor; plus strand). Cytogenetic location: 7p11.2.
Variant type: single nucleotide variant.
Coding change: c.1594G>A on transcript NM_005228.5 (MANE Select); coding-DNA position 1594, G replaced by A.
Protein change: p.Gly532Ser; replaces glycine 532 with serine.
Molecular consequence: missense variant.
Genome position (GRCh38, 1-based): chr7:55,161,594, G>A. VCF-style: chr7-55161594-G-A. GRCh37 (hg19) VCF-style: chr7-55229287-G-A.
Other names: c.1594G>A, p.Gly532Ser (NM_201282.2, NM_201284.2, NM_001346898.2); c.1459G>A, p.Gly487Ser (NM_001346897.2, NM_001346899.2); c.1435G>A, p.Gly479Ser (NM_001346900.2); c.793G>A, p.Gly265Ser (NM_001346941.2); short protein forms G532S, G265S, G479S, G487S.
Identifiers: ClinVar variation 2995912 (VCV002995912.3), dbSNP rs2128942974, ClinGen allele CA367579963.
Genomic context (GRCh38, chr7:55,161,594, plus strand): 5'-CCCGAGGGCTGCTGGGGCCCGGAGCCCAGGGACTGCGTCTCTTGCCGGAATGTCAGCCGA[G>A]GCAGGGAATGCGTGGACAAGTGCAACCTTCTGGAGGGGTAGGAGGTTATTTCTTTAATCC-3'
Protein context (NP_005219.2, residues 522-542): DCVSCRNVSR[Gly532Ser]RECVDKCNLL